The following is an entry in ClinVar:

ClinVar aggregate classification (germline): Pathogenic (1 of 4 stars; one submission).

Submission:

Labcorp Genetics (formerly Invitae), Labcorp
Classification: Pathogenic. Last evaluated: 2023-11-28. Review status: criteria provided, single submitter. Criteria: Invitae Variant Classification Sherloc (09022015). Collection method: clinical testing. Allele origin: germline.
Comment: This sequence change creates a premature translational stop signal (p.Phe226Leufs*11) in the TCF12 gene. It is expected to result in an absent or disrupted protein product. Loss-of-function variants in TCF12 are known to be pathogenic (PMID: 23354436, 32620954). This variant is not present in population databases (gnomAD no frequency). This variant has not been reported in the literature in individuals affected with TCF12-related conditions. For these reasons, this variant has been classified as Pathogenic.

Literature cited by the submitters: PubMed 23354436; PubMed 32620954.

NM_207037.2(TCF12):c.674dup (p.Phe226fs)

Gene: TCF12 (transcription factor 12; plus strand). Cytogenetic location: 15q21.3.
Variant type: Duplication.
Coding change: c.674dup on transcript NM_207037.2 (MANE Select); coding-DNA position 674, one base duplicated (T; older notation c.674dupT).
Protein change: p.Phe226fs; shifts the reading frame from phenylalanine 226.
Molecular consequence: frameshift variant.
Genome position (GRCh38, 1-based): chr15:57,231,246, T duplicated; the last of 3 consecutive T bases (chr15:57,231,244-57,231,246); duplicating any one gives the same sequence. VCF-style (leftmost placement, unchanged base first): chr15-57231243-C-CT. GRCh37 (hg19) VCF-style: chr15-57523441-C-CT.
Other names: c.164dup, p.Phe56fs (NM_001306219.3, NM_207040.2); c.106dup, p.Ser36fs (NM_001306220.3); c.674dup, p.Phe226fs (NM_001322151.2, NM_001322152.2, NM_001322157.3 and 7 more transcripts); c.17dup, p.Phe7fs (NM_001322154.2); c.500dup, p.Phe168fs (NM_001322156.2, NM_001322158.2); c.710dup, p.Phe238fs (NM_001322164.2); short protein forms F168fs, F226fs, F7fs, S36fs, F56fs, F238fs.
Identifiers: ClinVar variation 2860485 (VCV002860485.3), dbSNP rs2551438479, ClinGen allele CA2739269491.